The following is an entry in ClinVar:

ClinVar aggregate classification (germline): Uncertain significance (1 of 4 stars; one submission).

Submission:

GeneDx
Classification: Uncertain significance. Last evaluated: 2025-06-11. Review status: criteria provided, single submitter. Criteria: GeneDx Variant Classification Process June 2021. Collection method: clinical testing. Allele origin: germline. Affected: yes.
Comment: Not observed at significant frequency in large population cohorts (gnomAD); In silico analysis suggests that this missense variant does not alter protein structure/function; Has not been previously published as pathogenic or benign to our knowledge

NM_006734.4(HIVEP2):c.4504T>G (p.Ser1502Ala)

Gene: HIVEP2 (HIVEP zinc finger 2; minus strand). Cytogenetic location: 6q24.2.
Variant type: single nucleotide variant.
Coding change: c.4504T>G on transcript NM_006734.4 (MANE Select); coding-DNA position 4504, T replaced by G.
Protein change: p.Ser1502Ala; replaces serine 1502 with alanine.
Molecular consequence: missense variant.
Genome position (GRCh38, 1-based): chr6:142,770,235, A>C on the plus strand (T>G on the coding strand, the complement: HIVEP2 is on the minus strand). VCF-style: chr6-142770235-A-C. GRCh37 (hg19) VCF-style: chr6-143091372-A-C.
Other names: c.4504T>G, p.Ser1502Ala (NM_001438449.1, NM_001438450.1, NM_001438451.1); short protein forms S1502A.
Identifiers: ClinVar variation 4538053 (VCV004538053.1).